The following is an entry in ClinVar:

ClinVar aggregate classification (germline): Uncertain significance. Review status: criteria provided, multiple submitters, no conflicts (2 of 4 stars). 5 submissions from 5 submitters: Uncertain significance (5). Last evaluated 2026-08-28.

Conditions:
ALPK3-related disorder. Also called: ALPK3-related condition.
Cardiovascular phenotype. Identifiers: MedGen CN230736.

Allele frequency attached by ClinVar (database versions not stated): ExAC 0.00004; gnomAD 0.00004; gnomAD exomes 0.00004; TOPMed 0.00004.
gnomAD v4.1: 61 of 1,592,892 alleles (0.0038%); highest among the groups gnomAD compares: Middle Eastern, 0.067%; no homozygotes.

Submissions (5):

PreventionGenetics, part of Exact Sciences
Classification: Uncertain significance for ALPK3-related condition. Last evaluated: 2026-08-28. Review status: criteria provided, single submitter. Criteria: ACMG Guidelines, 2015. Collection method: clinical testing. Allele origin: germline.
Comment: The ALPK3 c.1999C>A variant is predicted to result in the amino acid substitution p.Gln667Lys. This variant has been reported as uncertain in an individual with hypertrophic cardiomyopathy (referred to as c.1393C>A, p.Gln465Lys in transcript NM_020778.5 in Table S2, Fetisova S. et al. 2025. PubMed ID: 40102575). This variant is reported in 0.011% of alleles in individuals of South Asian descent in gnomAD, and is interpreted as uncertain in the ClinVar database (Variation ID: 1467390). At this time, the clinical significance of this variant is uncertain due to the absence of conclusive functional and genetic evidence.

CeGaT Center for Human Genetics Tuebingen
Classification: Uncertain significance. Last evaluated: 2026-07-01. Review status: criteria provided, single submitter. Criteria: CeGaT Center For Human Genetics Tuebingen Variant Classification Criteria Version 2. Collection method: clinical testing. Allele origin: germline. Affected: yes. Observed: 1 variant allele.
Comment: ALPK3: PM2, BP4

Labcorp Genetics (formerly Invitae), Labcorp
Classification: Uncertain significance. Last evaluated: 2025-12-29. Review status: criteria provided, single submitter. Criteria: Invitae Variant Classification Sherloc (09022015). Collection method: clinical testing. Allele origin: germline.
Comment: This sequence change replaces glutamine, which is neutral and polar, with lysine, which is basic and polar, at codon 667 of the ALPK3 protein (p.Gln667Lys). This variant is present in population databases (rs771343949, gnomAD 0.01%). This variant has not been reported in the literature in individuals affected with ALPK3-related conditions. ClinVar contains an entry for this variant (Variation ID: 1467390). Invitae Evidence Modeling of protein sequence and biophysical properties (such as structural, functional, and spatial information, amino acid conservation, physicochemical variation, residue mobility, and thermodynamic stability) indicates that this missense variant is expected to disrupt ALPK3 protein function with a positive predictive value of 80%. In summary, the available evidence is currently insufficient to determine the role of this variant in disease. Therefore, it has been classified as a Variant of Uncertain Significance.

Blueprint Genetics
Classification: Uncertain significance. Last evaluated: 2024-10-14. Review status: criteria provided, single submitter. Criteria: ACMG Guidelines, 2015. Collection method: clinical testing. Allele origin: germline.

Ambry Genetics
Classification: Uncertain significance for Cardiovascular phenotype. Last evaluated: 2022-12-01. Review status: criteria provided, single submitter. Criteria: Ambry Variant Classification Scheme 2023. Collection method: clinical testing. Allele origin: germline.
Comment: The p.Q667K variant (also known as c.1999C>A), located in coding exon 5 of the ALPK3 gene, results from a C to A substitution at nucleotide position 1999. The glutamine at codon 667 is replaced by lysine, an amino acid with similar properties. This amino acid position is well conserved in available vertebrate species. In addition, this alteration is predicted to be tolerated by in silico analysis. Since supporting evidence is limited at this time, the clinical significance of this alteration remains unclear.

NM_020778.5(ALPK3):c.1393C>A (p.Gln465Lys)

Gene: ALPK3 (alpha kinase 3; plus strand). Cytogenetic location: 15q25.3.
Variant type: single nucleotide variant.
Coding change: c.1393C>A on transcript NM_020778.5 (MANE Select); coding-DNA position 1393, C replaced by A.
Protein change: p.Gln465Lys; replaces glutamine 465 with lysine.
Molecular consequence: missense variant.
Genome position (GRCh38, 1-based): chr15:84,840,672, C>A. VCF-style: chr15-84840672-C-A. GRCh37 (hg19) VCF-style: chr15-85383903-C-A.
Other names: short protein forms Q465K.
Identifiers: ClinVar variation 1467390 (VCV001467390.14), dbSNP rs771343949, ClinGen allele CA7709177.